The following is an entry in ClinVar:

NM_001933.5(DLST):c.783G>A (p.Glu261=)

Gene: DLST (dihydrolipoamide S-succinyltransferase; plus strand). Cytogenetic location: 14q24.3.
Variant type: single nucleotide variant.
Coding change: c.783G>A on transcript NM_001933.5 (MANE Select); coding-DNA position 783, G replaced by A.
Protein change: p.Glu261=; no amino-acid change (glutamic acid 261 retained).
Molecular consequence: synonymous variant. On other transcripts: non-coding transcript variant (2).
Genome position (GRCh38, 1-based): chr14:74,898,381, G>A. VCF-style: chr14-74898381-G-A. GRCh37 (hg19) VCF-style: chr14-75365084-G-A.
Other names: c.783G>A (NM_001933.4).
Identifiers: ClinVar variation 916159 (VCV000916159.44), dbSNP rs11623527, ClinGen allele CA7273651.

ClinVar aggregate classification (germline): Benign/Likely benign. Review status: criteria provided, multiple submitters, no conflicts (2 of 4 stars). 3 submissions from 3 submitters: Benign (1); Likely benign (1). 1 of the submissions does not count toward it. Last evaluated 2026-07-01.

Conditions:
DLST-related disorder. Also called: DLST-related condition.

Allele frequency attached by ClinVar (database versions not stated): 1000 Genomes Project 30x 0.00141; 1000 Genomes Project 0.00160; TOPMed 0.00407; ESP Exome Variant Server 0.00415; gnomAD 0.00478 and 0.00492; gnomAD exomes 0.00498 and 0.00575; ExAC 0.00540.
gnomAD v4.1: 9,031 of 1,612,066 alleles (0.56%); highest among the groups gnomAD compares: Non-Finnish European, 0.65%; 28 homozygotes.

Submissions (3):

CeGaT Center for Human Genetics Tuebingen
Classification: Likely benign. Last evaluated: 2026-07-01. Review status: criteria provided, single submitter. Criteria: CeGaT Center For Human Genetics Tuebingen Variant Classification Criteria Version 2. Collection method: clinical testing. Allele origin: germline. Affected: yes. Observed: 30 variant alleles.
Comment: DLST: BP4, BP7, BS2

Labcorp Genetics (formerly Invitae), Labcorp
Classification: Benign. Last evaluated: 2026-01-31. Review status: criteria provided, single submitter. Criteria: Invitae Variant Classification Sherloc (09022015). Collection method: clinical testing. Allele origin: germline.

PreventionGenetics, part of Exact Sciences
Classification: Benign for DLST-related condition. Last evaluated: 2019-06-11. Review status: no assertion criteria provided. Collection method: clinical testing. Allele origin: germline. Not counted in ClinVar's aggregate classification.
Comment: This variant is classified as benign based on ACMG/AMP sequence variant interpretation guidelines (Richards et al. 2015 PMID: 25741868, with internal and published modifications).